The following is an entry in ClinVar:

NM_000051.4(ATM):c.1151dup (p.Cys384fs)

Gene: ATM (ATM serine/threonine kinase; plus strand). Cytogenetic location: 11q22.3.
Variant type: Duplication.
Coding change: c.1151dup on transcript NM_000051.4 (MANE Select); coding-DNA position 1151, one base duplicated (G; older notation c.1151dupG).
Protein change: p.Cys384fs; shifts the reading frame from cysteine 384.
Molecular consequence: frameshift variant.
Genome position (GRCh38, 1-based): chr11:108,249,018, G duplicated. VCF-style (leftmost placement, unchanged base first): chr11-108249017-T-TG. GRCh37 (hg19) VCF-style: chr11-108119744-T-TG.
Other names: c.1151dup, p.Cys384fs (NM_001351834.2); short protein forms C384fs.
Identifiers: ClinVar variation 945922 (VCV000945922.7), dbSNP rs2079995970, ClinGen allele CA1139662276.

ClinVar aggregate classification (germline): Pathogenic (1 of 4 stars; one submission).

Conditions:
Ataxia-telangiectasia syndrome (AT). Also called: Ataxia-telangiectasia, complementation group E; Ataxia telangiectasia (A-T); LOUIS-BAR SYNDROME; ATAXIA-TELANGIECTASIA, FRESNO VARIANT; AT, COMPLEMENTATION GROUP C; Ataxia-telangiectasia. Identifiers: Orphanet 100, MedGen C0004135, MONDO:0008840, OMIM 208900.

Submission:

Labcorp Genetics (formerly Invitae), Labcorp
Classification: Pathogenic for Ataxia-telangiectasia syndrome. Last evaluated: 2019-03-27. Review status: criteria provided, single submitter. Criteria: Invitae Variant Classification Sherloc (09022015). Collection method: clinical testing. Allele origin: germline.
Comment: This sequence change creates a premature translational stop signal (p.Cys384Trpfs*23) in the ATM gene. It is expected to result in an absent or disrupted protein product. For these reasons, this variant has been classified as Pathogenic. Loss-of-function variants in ATM are known to be pathogenic (PMID: 23807571, 25614872). This variant has not been reported in the literature in individuals with ATM-related conditions. This variant is not present in population databases (ExAC no frequency).

Literature cited by the submitters: PubMed 23807571; PubMed 25614872.